The following is an entry in ClinVar:

ClinVar aggregate classification (germline): Pathogenic/Likely pathogenic. Review status: criteria provided, multiple submitters, no conflicts (2 of 4 stars). 2 submissions from 2 submitters: Pathogenic (1); Likely pathogenic (1). Last evaluated 2024-07-03.

Conditions:
RYR1-related disorder. Also called: RYR1-related disorders; RYR1-related condition. Identifiers: MedGen CN239331.

Allele frequency attached by ClinVar (database versions not stated): TOPMed below 0.00001.

Submissions (2):

Labcorp Genetics (formerly Invitae), Labcorp
Classification: Pathogenic for RYR1-related disorder. Last evaluated: 2024-07-03. Review status: criteria provided, single submitter. Criteria: Invitae Variant Classification Sherloc (09022015). Collection method: clinical testing. Allele origin: germline.
Comment: This sequence change creates a premature translational stop signal (p.Met4038Ilefs*37) in the RYR1 gene. It is expected to result in an absent or disrupted protein product. Loss-of-function variants in RYR1 are known to be pathogenic (PMID: 23919265, 25960145, 28818389, 30611313). This variant is not present in population databases (gnomAD no frequency). This variant has not been reported in the literature in individuals affected with RYR1-related conditions. ClinVar contains an entry for this variant (Variation ID: 590395). Algorithms developed to predict the effect of sequence changes on RNA splicing suggest that this variant may create or strengthen a splice site. For these reasons, this variant has been classified as Pathogenic.

PreventionGenetics, part of Exact Sciences
Classification: Likely pathogenic. Last evaluated: 2015-09-15. Review status: criteria provided, single submitter. Criteria: ACMG Guidelines, 2015. Collection method: clinical testing. Allele origin: germline.

Literature cited by the submitters: PubMed 23919265 (cited by Labcorp Genetics (formerly Invitae), Labcorp); PubMed 25960145 (cited by Labcorp Genetics (formerly Invitae), Labcorp); PubMed 28818389 (cited by Labcorp Genetics (formerly Invitae), Labcorp); PubMed 30611313 (cited by Labcorp Genetics (formerly Invitae), Labcorp).

NM_000540.3(RYR1):c.12113dup (p.Met4038fs)

Gene: RYR1 (ryanodine receptor 1; plus strand). Cytogenetic location: 19q13.2.
Variant type: Duplication.
Coding change: c.12113dup on transcript NM_000540.3 (MANE Select); coding-DNA position 12113, one base duplicated (T; older notation c.12113dupT).
Protein change: p.Met4038fs; shifts the reading frame from methionine 4038.
Molecular consequence: frameshift variant.
Genome position (GRCh38, 1-based): chr19:38,548,251, T duplicated. VCF-style (leftmost placement, unchanged base first): chr19-38548250-A-AT. GRCh37 (hg19) VCF-style: chr19-39038890-A-AT.
Other names: c.12098dup, p.Met4033fs (NM_001042723.2); c.12113dupT (NM_000540.2); short protein forms M4033fs, M4038fs.
Identifiers: ClinVar variation 590395 (VCV000590395.6), dbSNP rs1568562752, ClinGen allele CA891863124.